The following is an entry in ClinVar:

ClinVar aggregate classification (germline): Conflicting classifications of pathogenicity. Review status: criteria provided, conflicting classifications (1 of 4 stars). 3 submissions from 3 submitters: Uncertain significance (2); Likely benign (1). Last evaluated 2024-07-30.

Conditions:
Hereditary cancer-predisposing syndrome. Also called: Tumor predisposition; Hereditary neoplastic syndrome; Neoplastic Syndromes, Hereditary; Hereditary Cancer Syndrome. Identifiers: Orphanet 140162, MedGen C0027672, MeSH D009386, MONDO:0015356.

Allele frequency attached by ClinVar (database versions not stated): ExAC 0.00003; gnomAD 0.00005; gnomAD exomes 0.00005 and 0.00009; TOPMed 0.00008.
gnomAD v4.1: 83 of 1,586,778 alleles (0.0052%); highest among the groups gnomAD compares: East Asian, 0.018%; no homozygotes.

Submissions (3):

Ambry Genetics
Classification: Uncertain significance. Last evaluated: 2024-07-30. Review status: criteria provided, single submitter. Criteria: Ambry Variant Classification Scheme 2023. Collection method: clinical testing. Allele origin: germline.
Comment: The c.452+3A>G intronic variant results from an A to G substitution 3 nucleotides after coding exon 4 in the RAD51B gene. This nucleotide position is well conserved in available vertebrate species. In silico splice site analysis predicts that this alteration may result in the creation or strengthening of a novel splice donor site. Based on the available evidence, the clinical significance of this variant remains unclear.

Mayo Clinic Laboratories, Mayo Clinic
Classification: Uncertain significance. Last evaluated: 2023-04-26. Review status: criteria provided, single submitter. Criteria: ACMG Guidelines, 2015. Collection method: clinical testing. Allele origin: germline. Observed: 1 variant allele.

University of Washington Department of Laboratory Medicine, University of Washington
Classification: Likely benign for Hereditary cancer-predisposing syndrome. Last evaluated: 2019-10-22. Review status: criteria provided, single submitter. Criteria: Shirts et al. (Genet Med 2016). Collection method: clinical testing. Allele origin: germline. Affected: no. Observed: 1 variant allele.
Comment: This variant was predicted to disrupt a splice donor site, resulting in skipping of exon 5 and production of abnormally short protein. This variant has been reported in a patient with a family history of breast cancer and loss of RAD51B expression (Golmard 2013). However, this variant is found in approximately 1/6000 individuals in the population. It has also been detected in three women over age 70 with no history of cancer and 20 individuals in an unaffected control population (gnomAD). The presence of this variant at this frequency in unaffected women indicates that it does not substantially increase cancer risk.

Literature cited by the submitters: PubMed 24139550 (cited by Mayo Clinic Laboratories, Mayo Clinic and University of Washington Department of Laboratory Medicine, University of Washington).

NM_133510.4(RAD51B):c.452+3A>G

Gene: RAD51B (RAD51 paralog B; plus strand). Cytogenetic location: 14q24.1.
Variant type: single nucleotide variant.
Coding change: c.452+3A>G on transcript NM_133510.4 (MANE Select); 3 bases into the intron after coding-DNA position 452, A replaced by G.
Molecular consequence: intron variant.
Genome position (GRCh38, 1-based): chr14:67,865,142, A>G. VCF-style: chr14-67865142-A-G. GRCh37 (hg19) VCF-style: chr14-68331859-A-G.
Other names: p.?; c.452+3A>G (NM_001321818.2, NM_001321809.2, NM_001321821.2 and 8 more transcripts); c.95+3A>G (NM_001321817.2); c.338+3A>G (NM_001321815.1).
Identifiers: ClinVar variation 224592 (VCV000224592.6), dbSNP rs753393344, ClinGen allele CA351227.